The following is an entry in ClinVar:

ClinVar aggregate classification (germline): Uncertain significance. Review status: criteria provided, single submitter (1 of 4 stars). 2 submissions from 2 submitters: Uncertain significance (1). 1 of the submissions does not count toward it. Last evaluated 2017-03-07.

Conditions:
Hereditary spastic paraplegia. Also called: Familial spastic paraparesis. Identifiers: Orphanet 685, MedGen C0037773, MONDO:0019064. Disease mechanism: loss of function.
SETX-related disorder. Also called: SETX-related condition; SETX-related disorders. Identifiers: MedGen CN239403.

Allele frequency attached by ClinVar (database versions not stated): gnomAD exomes below 0.00001 and 0.00001; ExAC 0.00001; gnomAD 0.00001; TOPMed 0.00002.

Submissions (2):

Unit for Genetic & Epidemiological Research on Neurological Disorders, Instituto de Investigação e Inovação em Saúde
Classification: Uncertain significance for Hereditary spastic paraplegia. Last evaluated: 2017-03-07. Review status: criteria provided, single submitter. Criteria: Morais et al. (Eur J Hum Genet. 2017). Collection method: research. Allele origin: unknown. Affected: yes.

PreventionGenetics, part of Exact Sciences
Classification: Uncertain significance for SETX-related condition. Last evaluated: 2024-07-21. Review status: no assertion criteria provided. Collection method: clinical testing. Allele origin: germline. Not counted in ClinVar's aggregate classification.
Comment: The SETX c.4711G>A variant is predicted to result in the amino acid substitution p.Val1571Met. This variant has been reported in the heterozygous state without a second potentially pathogenic variant in a patient with hereditary spastic paraplegia (Morais et al. 2017. PubMed ID: 28832565). This variant is reported in 0.0029% of alleles in individuals of Latino descent in gnomAD. At this time, the clinical significance of this variant is uncertain due to the absence of conclusive functional and genetic evidence.

NM_015046.7(SETX):c.4711G>A (p.Val1571Met)

Gene: SETX (senataxin; minus strand). Cytogenetic location: 9q34.13.
Variant type: single nucleotide variant.
Coding change: c.4711G>A on transcript NM_015046.7 (MANE Select); coding-DNA position 4711, G replaced by A.
Protein change: p.Val1571Met; replaces valine 1571 with methionine.
Molecular consequence: missense variant.
Genome position (GRCh38, 1-based): chr9:132,326,887, C>T on the plus strand (G>A on the coding strand, the complement: SETX is on the minus strand). VCF-style: chr9-132326887-C-T. GRCh37 (hg19) VCF-style: chr9-135202274-C-T.
Other names: c.4711G>A, p.Val1571Met (NM_001351527.2, NM_001351528.2); short protein forms V1571M.
Identifiers: ClinVar variation 424661 (VCV000424661.3), dbSNP rs745970760, ClinGen allele CA5297145.
Genomic context (GRCh38, chr9:132,326,887, plus strand): 5'-GTTTAGATGCAGGAGGAGGCAAGCCAGGTTTACGAAATACATCTTCATCTGCTGCTTTCA[C>T]TTCAGAGTGTTTTGGGCAGTATTCACCCTGGTTTTTTGTGGTTTCAAGACAATCTTTGTA-3'
Protein context (NP_055861.3, residues 1561-1581): QGEYCPKHSE[Val1571Met]KAADEDVFRK